The following is an entry in ClinVar:

NM_022489.4(INF2):c.262G>T (p.Gly88Cys)

Gene: INF2 (inverted formin 2; plus strand). Cytogenetic location: 14q32.33.
Variant type: single nucleotide variant.
Coding change: c.262G>T on transcript NM_022489.4 (MANE Select); coding-DNA position 262, G replaced by T.
Protein change: p.Gly88Cys; replaces glycine 88 with cysteine.
Molecular consequence: missense variant.
Genome position (GRCh38, 1-based): chr14:104,701,627, G>T. VCF-style: chr14-104701627-G-T. GRCh37 (hg19) VCF-style: chr14-105167964-G-T.
Other names: c.262G>T, p.Gly88Cys (NM_001031714.4, NM_032714.3); short protein forms G88C.
Identifiers: ClinVar variation 1354336 (VCV001354336.6), dbSNP rs766891612, ClinGen allele CA391225673.

ClinVar aggregate classification (germline): Uncertain significance (1 of 4 stars; one submission).

Conditions:
Focal segmental glomerulosclerosis 5 (FSGS5). Identifiers: Orphanet 656, MedGen C2750475, MONDO:0013191, OMIM 613237.
Charcot-Marie-Tooth disease dominant intermediate E. Also called: CHARCOT-MARIE-TOOTH NEUROPATHY WITH FOCAL SEGMENTAL GLOMERULONEPHRITIS. Identifiers: Orphanet 93114, MedGen C4302667, MONDO:0013758, OMIM 614455.

Submission:

Labcorp Genetics (formerly Invitae), Labcorp
Classification: Uncertain significance for Charcot-Marie-Tooth disease dominant intermediate E; Focal segmental glomerulosclerosis 5. Last evaluated: 2021-11-30. Review status: criteria provided, single submitter. Criteria: Invitae Variant Classification Sherloc (09022015). Collection method: clinical testing. Allele origin: germline.
Comment: This sequence change replaces glycine, which is neutral and non-polar, with cysteine, which is neutral and slightly polar, at codon 88 of the INF2 protein (p.Gly88Cys). In summary, the available evidence is currently insufficient to determine the role of this variant in disease. Therefore, it has been classified as a Variant of Uncertain Significance. Algorithms developed to predict the effect of missense changes on protein structure and function (SIFT, PolyPhen-2, Align-GVGD) all suggest that this variant is likely to be disruptive. This variant has not been reported in the literature in individuals affected with INF2-related conditions. This variant is not present in population databases (gnomAD no frequency).